The following is an entry in ClinVar:

ClinVar aggregate classification (germline): Uncertain significance (1 of 4 stars; one submission).

Allele frequency attached by ClinVar (database versions not stated): gnomAD exomes below 0.00001; TOPMed 0.00002.
gnomAD v4.1: 6 of 1,535,576 alleles (0.00039%); highest among the groups gnomAD compares: African/African-American, 0.0068%; no homozygotes.

Submission:

Labcorp Genetics (formerly Invitae), Labcorp
Classification: Uncertain significance. Last evaluated: 2020-11-25. Review status: criteria provided, single submitter. Criteria: Invitae Variant Classification Sherloc (09022015). Collection method: clinical testing. Allele origin: germline.
Comment: In summary, the available evidence is currently insufficient to determine the role of this variant in disease. Therefore, it has been classified as a Variant of Uncertain Significance. Algorithms developed to predict the effect of missense changes on protein structure and function are either unavailable or do not agree on the potential impact of this missense change (SIFT: "Deleterious"; PolyPhen-2: "Benign"; Align-GVGD: "Class C0"). This variant has not been reported in the literature in individuals with OBSL1-related conditions. The frequency data for this variant in the population databases is considered unreliable, as metrics indicate insufficient coverage at this position in the ExAC database. This sequence change replaces glutamic acid with aspartic acid at codon 1264 of the OBSL1 protein (p.Glu1264Asp). The glutamic acid residue is weakly conserved and there is a small physicochemical difference between glutamic acid and aspartic acid.

NM_015311.3(OBSL1):c.3792G>T (p.Glu1264Asp)

Gene: OBSL1 (obscurin like cytoskeletal adaptor 1; minus strand). Cytogenetic location: 2q35.
Variant type: single nucleotide variant.
Coding change: c.3792G>T on transcript NM_015311.3 (MANE Select); coding-DNA position 3792, G replaced by T.
Protein change: p.Glu1264Asp; replaces glutamic acid 1264 with aspartic acid.
Molecular consequence: missense variant.
Genome position (GRCh38, 1-based): chr2:219,557,617, C>A on the plus strand (G>T on the coding strand, the complement: OBSL1 is on the minus strand). VCF-style: chr2-219557617-C-A. GRCh37 (hg19) VCF-style: chr2-220422339-C-A.
Other names: c.3792G>T, p.Glu1264Asp (NM_001173431.2); short protein forms E1264D.
Identifiers: ClinVar variation 1368316 (VCV001368316.8), dbSNP rs1003996859, ClinGen allele CA66028354.